The following is an entry in ClinVar:

NM_032119.4(ADGRV1):c.2657C>A (p.Pro886His)

Gene: ADGRV1 (adhesion G protein-coupled receptor V1; plus strand). Cytogenetic location: 5q14.3.
Variant type: single nucleotide variant.
Coding change: c.2657C>A on transcript NM_032119.4 (MANE Select); coding-DNA position 2657, C replaced by A.
Protein change: p.Pro886His; replaces proline 886 with histidine.
Molecular consequence: missense variant. On other transcripts: non-coding transcript variant (1).
Genome position (GRCh38, 1-based): chr5:90,643,906, C>A. VCF-style: chr5-90643906-C-A. GRCh37 (hg19) VCF-style: chr5-89939723-C-A.
Other names: short protein forms P886H.
Identifiers: ClinVar variation 1506873 (VCV001506873.8), dbSNP rs1327991604, ClinGen allele CA360390112.

ClinVar aggregate classification (germline): Uncertain significance (1 of 4 stars; one submission).

Allele frequency attached by ClinVar (database versions not stated): gnomAD exomes below 0.00001; gnomAD 0.00001.
gnomAD v4.1: 5 of 1,611,818 alleles (0.00031%); highest among the groups gnomAD compares: Non-Finnish European, 0.00042%; no homozygotes.

Submission:

Labcorp Genetics (formerly Invitae), Labcorp
Classification: Uncertain significance. Last evaluated: 2021-02-02. Review status: criteria provided, single submitter. Criteria: Invitae Variant Classification Sherloc (09022015). Collection method: clinical testing. Allele origin: germline.
Comment: This variant is not present in population databases (ExAC no frequency). In summary, the available evidence is currently insufficient to determine the role of this variant in disease. Therefore, it has been classified as a Variant of Uncertain Significance. Algorithms developed to predict the effect of missense changes on protein structure and function are either unavailable or do not agree on the potential impact of this missense change (SIFT: "Deleterious"; PolyPhen-2: "Probably Damaging"; Align-GVGD: "Class C0"). This variant has not been reported in the literature in individuals with ADGRV1-related conditions. This sequence change replaces proline with histidine at codon 886 of the ADGRV1 protein (p.Pro886His). The proline residue is highly conserved and there is a moderate physicochemical difference between proline and histidine.